The following is an entry in ClinVar:

ClinVar aggregate classification (germline): Pathogenic (1 of 4 stars; one submission).

Conditions:
Tuberous sclerosis 2 (TSC2). Identifiers: Orphanet 805, MedGen C1860707, MONDO:0013199, OMIM 613254.

Submission:

Labcorp Genetics (formerly Invitae), Labcorp
Classification: Pathogenic for Tuberous sclerosis 2. Last evaluated: 2023-06-09. Review status: criteria provided, single submitter. Criteria: Invitae Variant Classification Sherloc (09022015). Collection method: clinical testing. Allele origin: germline.
Comment: This variant has not been reported in the literature in individuals affected with TSC2-related conditions. For these reasons, this variant has been classified as Pathogenic. This variant is not present in population databases (gnomAD no frequency). This sequence change creates a premature translational stop signal (p.Ala1416Glyfs*108) in the TSC2 gene. It is expected to result in an absent or disrupted protein product. Loss-of-function variants in TSC2 are known to be pathogenic (PMID: 10205261, 17304050).

Literature cited by the submitters: PubMed 10205261; PubMed 17304050.

NM_000548.5(TSC2):c.4246dup (p.Ala1416fs)

Gene: TSC2 (TSC complex subunit 2; plus strand). Cytogenetic location: 16p13.3.
Variant type: Duplication.
Coding change: c.4246dup on transcript NM_000548.5 (MANE Select); coding-DNA position 4246, one base duplicated (G; older notation c.4246dupG).
Protein change: p.Ala1416fs; shifts the reading frame from alanine 1416.
Molecular consequence: frameshift variant. On other transcripts: non-coding transcript variant (5).
Genome position (GRCh38, 1-based): chr16:2,084,468, G duplicated; the last of 2 consecutive G bases (chr16:2,084,467-2,084,468); duplicating either gives the same sequence. VCF-style (leftmost placement, unchanged base first): chr16-2084466-A-AG. GRCh37 (hg19) VCF-style: chr16-2134467-A-AG.
Other names: c.4045dup, p.Ala1349fs (NM_001077183.3); c.4177dup, p.Ala1393fs (NM_001114382.3); c.3937dup, p.Ala1313fs (NM_001318827.2); c.3901dup, p.Ala1301fs (NM_001318829.2); c.3514dup, p.Ala1172fs (NM_001318831.2); c.4078dup, p.Ala1360fs (NM_001318832.2); c.4048dup, p.Ala1350fs (NM_001363528.2); c.4114dup, p.Ala1372fs (NM_001370404.1); and 26 more; short protein forms A1216fs, A1300fs, A1313fs, A1372fs, A945fs, A1172fs, A1346fs, A1350fs.
Identifiers: ClinVar variation 2699191 (VCV002699191.3), dbSNP rs2544271382, ClinGen allele CA2697549578.